The following is an entry in ClinVar:

ClinVar aggregate classification (germline): Uncertain significance (1 of 4 stars; one submission).

Conditions:
Hereditary cancer-predisposing syndrome. Also called: Neoplastic Syndromes, Hereditary; Tumor predisposition; Hereditary neoplastic syndrome; Hereditary Cancer Syndrome. Identifiers: Orphanet 140162, MedGen C0027672, MeSH D009386, MONDO:0015356.

Submission:

Ambry Genetics
Classification: Uncertain significance for Hereditary cancer-predisposing syndrome. Last evaluated: 2024-05-02. Review status: criteria provided, single submitter. Criteria: Ambry Variant Classification Scheme 2023. Collection method: clinical testing. Allele origin: germline.
Comment: The c.2376+4A>C intronic variant results from an A to C substitution 4 nucleotides after coding exon 14 in the ATM gene. This nucleotide position is well conserved in available vertebrate species. In silico splice site analysis for this alteration is inconclusive. Based on the available evidence, the clinical significance of this variant remains unclear.

NM_000051.4(ATM):c.2376+4A>C

Gene: ATM (ATM serine/threonine kinase; plus strand). Cytogenetic location: 11q22.3.
Variant type: single nucleotide variant.
Coding change: c.2376+4A>C on transcript NM_000051.4 (MANE Select); 4 bases into the intron after coding-DNA position 2376, A replaced by C.
Molecular consequence: intron variant.
Genome position (GRCh38, 1-based): chr11:108,257,610, A>C. VCF-style: chr11-108257610-A-C. GRCh37 (hg19) VCF-style: chr11-108128337-A-C.
Other names: c.2376+4A>C (NM_001351834.2).
Identifiers: ClinVar variation 3325528 (VCV003325528.1).